The following is an entry in ClinVar:

ClinVar aggregate classification (germline): Likely benign. Review status: criteria provided, multiple submitters, no conflicts (2 of 4 stars). 4 submissions from 4 submitters: Likely benign (3). 1 of the submissions does not count toward it. Last evaluated 2026-01-20.

Conditions:
SDHA-related disorder. Also called: SDHA-related disorders; SDHA-related condition.
Mitochondrial complex II deficiency, nuclear type 1. Also called: SUCCINATE CoQ REDUCTASE DEFICIENCY. Identifiers: Orphanet 3208, MedGen C5700310, MONDO:0100294, OMIM 252011.
Pheochromocytoma/paraganglioma syndrome 5. Also called: SDHA-Related Hereditary Paraganglioma-Pheochromocytoma Syndrome; Paragangliomas 5. Identifiers: Orphanet 29072, MedGen C3279992, MONDO:0013602, OMIM 614165.
Hereditary cancer-predisposing syndrome. Also called: Neoplastic Syndromes, Hereditary; Hereditary Cancer Syndrome; Tumor predisposition; Hereditary neoplastic syndrome. Identifiers: Orphanet 140162, MedGen C0027672, MeSH D009386, MONDO:0015356.

Allele frequency attached by ClinVar (database versions not stated): gnomAD exomes 0.00001 and 0.00007; gnomAD 0.00003 and 0.00004; TOPMed 0.00005.
gnomAD v4.1: 109 of 1,611,940 alleles (0.0068%); highest among the groups gnomAD compares: Non-Finnish European, 0.0084%; no homozygotes.

Submissions (4):

Labcorp Genetics (formerly Invitae), Labcorp
Classification: Likely benign for Pheochromocytoma/paraganglioma syndrome 5; Mitochondrial complex II deficiency, nuclear type 1. Last evaluated: 2026-01-20. Review status: criteria provided, single submitter. Criteria: Invitae Variant Classification Sherloc (09022015). Collection method: clinical testing. Allele origin: germline.

Myriad Genetics, Inc.
Classification: Likely benign for Pheochromocytoma/paraganglioma syndrome 5. Last evaluated: 2025-02-28. Review status: criteria provided, single submitter. Criteria: Myriad Autosomal Dominant, Autosomal Recessive and X-Linked Classification Criteria (2023). Collection method: clinical testing. Allele origin: unknown.
Comment: This variant is considered likely benign. This variant is intronic and is not expected to impact mRNA splicing.

Ambry Genetics
Classification: Likely benign for Hereditary cancer-predisposing syndrome. Last evaluated: 2022-03-15. Review status: criteria provided, single submitter. Criteria: Ambry Variant Classification Scheme 2023. Collection method: clinical testing. Allele origin: germline.

PreventionGenetics, part of Exact Sciences
Classification: Likely benign for SDHA-related condition. Last evaluated: 2023-03-30. Review status: no assertion criteria provided. Collection method: clinical testing. Allele origin: germline. Not counted in ClinVar's aggregate classification.
Comment: This variant is classified as likely benign based on ACMG/AMP sequence variant interpretation guidelines (Richards et al. 2015 PMID: 25741868, with internal and published modifications).

NM_004168.4(SDHA):c.313-7T>C

Gene: SDHA (succinate dehydrogenase complex flavoprotein subunit A; plus strand). Cytogenetic location: 5p15.33.
Variant type: single nucleotide variant.
Coding change: c.313-7T>C on transcript NM_004168.4 (MANE Select); 7 bases into the intron before coding-DNA position 313, T replaced by C.
Molecular consequence: intron variant.
Genome position (GRCh38, 1-based): chr5:225,412, T>C. VCF-style: chr5-225412-T-C. GRCh37 (hg19) VCF-style: chr5-225527-T-C.
Other names: c.313-7T>C (NM_001330758.2); c.313-471T>C (NM_001294332.2).
Identifiers: ClinVar variation 412350 (VCV000412350.17), dbSNP rs201972549, ClinGen allele CA16612044.